The following is an entry in ClinVar:

ClinVar aggregate classification (germline): Uncertain significance. Review status: criteria provided, multiple submitters, no conflicts (2 of 4 stars). 2 submissions from 2 submitters: Uncertain significance (2). Last evaluated 2024-12-31.

Conditions:
Hereditary cancer-predisposing syndrome. Also called: Tumor predisposition; Hereditary Cancer Syndrome; Hereditary neoplastic syndrome; Neoplastic Syndromes, Hereditary. Identifiers: Orphanet 140162, MedGen C0027672, MeSH D009386, MONDO:0015356.
Breast-ovarian cancer, familial, susceptibility to, 2 (BROVCA2). Also called: BRCA2 Hereditary Breast and Ovarian Cancer. Identifiers: Orphanet 145, MedGen C2675520, MONDO:0012933, OMIM 612555. Disease mechanism: loss of function.

Submissions (2):

Ambry Genetics
Classification: Uncertain significance for Hereditary cancer-predisposing syndrome. Last evaluated: 2024-12-31. Review status: criteria provided, single submitter. Criteria: Ambry Variant Classification Scheme 2023. Collection method: clinical testing. Allele origin: germline.
Comment: The p.G500C variant (also known as c.1498G>T), located in coding exon 9 of the BRCA2 gene, results from a G to T substitution at nucleotide position 1498. The glycine at codon 500 is replaced by cysteine, an amino acid with highly dissimilar properties. This amino acid position is conserved. In addition, this alteration is predicted to be tolerated by in silico analysis. Based on the available evidence, the clinical significance of this variant remains unclear.

All of Us Research Program, National Institutes of Health
Classification: Uncertain significance for Breast-ovarian cancer, familial, susceptibility to, 2. Last evaluated: 2023-04-27. Review status: criteria provided, single submitter. Criteria: ACMG Guidelines, 2015. Collection method: clinical testing. Allele origin: germline. Inheritance: Autosomal dominant inheritance. Observed: 1 variant allele, 1 heterozygote.
Comment: This missense variant replaces glycine with cysteine at codon 500 of the BRCA2 protein. Computational prediction suggests that this variant may not impact protein structure and function (internally defined REVEL score threshold <= 0.5, PMID: 27666373). To our knowledge, functional studies have not been reported for this variant. This variant has not been reported in individuals affected with hereditary cancer in the literature. This variant has not been identified in the general population by the Genome Aggregation Database (gnomAD). The available evidence is insufficient to determine the role of this variant in disease conclusively. Therefore, this variant is classified as a Variant of Uncertain Significance.

This study involves interpretation of variants in research participants for the purpose of population health screening. Participant phenotype was not available at the time of variant classification. Additional details can be found in publication PMID: 35346344, PMCID: PMC8962531

NM_000059.4(BRCA2):c.1498G>T (p.Gly500Cys)

Gene: BRCA2 (BRCA2 DNA repair associated; plus strand). Cytogenetic location: 13q13.1.
Variant type: single nucleotide variant.
Coding change: c.1498G>T on transcript NM_000059.4 (MANE Select); coding-DNA position 1498, G replaced by T.
Protein change: p.Gly500Cys; replaces glycine 500 with cysteine.
Molecular consequence: missense variant. On other transcripts: non-coding transcript variant (1), intron variant (1).
Genome position (GRCh38, 1-based): chr13:32,332,976, G>T. VCF-style: chr13-32332976-G-T. GRCh37 (hg19) VCF-style: chr13-32907113-G-T.
Other names: c.1498G>T, p.Gly500Cys (NM_001406719.1, NM_001406720.1, NM_001406721.1); c.424+1946G>T (NM_001406722.1); short protein forms G500C.
Identifiers: ClinVar variation 3075618 (VCV003075618.2), dbSNP rs1233016217, ClinGen allele CA387764479.